The following is an entry in ClinVar:

ClinVar aggregate classification (germline): Likely benign. Review status: criteria provided, multiple submitters, no conflicts (2 of 4 stars). 4 submissions from 4 submitters: Likely benign (4). Last evaluated 2023-12-27.

Conditions:
Polycystic liver disease 1 (PCLD1). Also called: Polycystic liver disease 1 with or without kidney cysts. Identifiers: Orphanet 2924, MedGen C0887850, MONDO:0008265, OMIM 174050.
Inborn genetic diseases. Identifiers: MedGen C0950123, MeSH D030342.

Allele frequency attached by ClinVar (database versions not stated): gnomAD exomes 0.00007 and 0.00023; ESP Exome Variant Server 0.00008; ExAC 0.00009; TOPMed 0.00039; gnomAD 0.00051 and 0.00054.
gnomAD v4.1: 179 of 1,614,020 alleles (0.011%); highest among the groups gnomAD compares: Admixed American, 0.15%; 1 homozygote.

Submissions (4):

Blueprint Genetics
Classification: Likely benign. Last evaluated: 2023-12-27. Review status: criteria provided, single submitter. Criteria: ACMG Guidelines, 2015. Collection method: clinical testing. Allele origin: germline.

Ambry Genetics
Classification: Likely benign for Inborn genetic diseases. Last evaluated: 2022-12-14. Review status: criteria provided, single submitter. Criteria: Ambry Variant Classification Scheme 2023. Collection method: clinical testing. Allele origin: germline.

GeneDx
Classification: Likely benign. Last evaluated: 2020-10-01. Review status: criteria provided, single submitter. Criteria: GeneDx Variant Classification Process June 2021. Collection method: clinical testing. Allele origin: germline. Affected: yes.
Comment: Has not been previously published as pathogenic or benign to our knowledge

Illumina Laboratory Services, Illumina
Classification: Likely benign for Polycystic liver disease 1. Last evaluated: 2018-01-13. Review status: criteria provided, single submitter. Criteria: ICSL Variant Classification Criteria 13 December 2019. Collection method: clinical testing. Allele origin: germline.
Comment: This variant was observed in the ICSL laboratory as part of a predisposition screen in an ostensibly healthy population. It had not been previously curated by ICSL or reported in the Human Gene Mutation Database (HGMD: prior to June 1st, 2018), and was therefore a candidate for classification through an automated scoring system. Utilizing variant allele frequency, disease prevalence and penetrance estimates, and inheritance mode, an automated score was calculated to assess if this variant is too frequent to cause the disease. Based on the score and internal cut-off values, a variant classified as likely benign is not then subjected to further curation. The score for this variant resulted in a classification of likely benign for this disease.

NM_001289104.2(PRKCSH):c.1291G>A (p.Val431Ile)

Gene: PRKCSH (PRKCSH beta subunit of glucosidase II; plus strand). Cytogenetic location: 19p13.2.
Variant type: single nucleotide variant.
Coding change: c.1291G>A on transcript NM_001289104.2 (MANE Select); coding-DNA position 1291, G replaced by A.
Protein change: p.Val431Ile; replaces valine 431 with isoleucine.
Molecular consequence: missense variant.
Genome position (GRCh38, 1-based): chr19:11,448,918, G>A. VCF-style: chr19-11448918-G-A. GRCh37 (hg19) VCF-style: chr19-11559733-G-A.
Other names: c.1261G>A, p.Val421Ile (NM_001001329.3, NM_001289102.2, NM_001379609.1); c.1291G>A, p.Val431Ile (NM_001289103.2); c.1270G>A, p.Val424Ile (NM_001379608.1, NM_002743.3); short protein forms V421I, V431I, V424I.
Identifiers: ClinVar variation 888605 (VCV000888605.10), dbSNP rs368655107, ClinGen allele CA9213261.